The following is an entry in ClinVar:

ClinVar aggregate classification (germline): Uncertain significance (1 of 4 stars; one submission).

Conditions:
Spondylocostal dysostosis 3, autosomal recessive (SCDO3). Also called: LFNG-Related Spondylocostal Dysostosis, Autosomal Recessive. Identifiers: Orphanet 2311, MedGen C1853296, MONDO:0012349, OMIM 609813.

Allele frequency attached by ClinVar (database versions not stated): gnomAD exomes below 0.00001; gnomAD 0.00001; TOPMed 0.00001.
gnomAD v4.1: 4 of 1,001,550 alleles (0.0004%); highest among the groups gnomAD compares: Admixed American, 0.0061%; no homozygotes.

Submission:

Labcorp Genetics (formerly Invitae), Labcorp
Classification: Uncertain significance for Spondylocostal dysostosis 3, autosomal recessive. Last evaluated: 2022-02-17. Review status: criteria provided, single submitter. Criteria: Invitae Variant Classification Sherloc (09022015). Collection method: clinical testing. Allele origin: germline.
Comment: This sequence change replaces proline, which is neutral and non-polar, with leucine, which is neutral and non-polar, at codon 31 of the LFNG protein (p.Pro31Leu). The frequency data for this variant in the population databases is considered unreliable, as metrics indicate insufficient coverage at this position in the gnomAD database. This variant has not been reported in the literature in individuals affected with LFNG-related conditions. Algorithms developed to predict the effect of missense changes on protein structure and function are either unavailable or do not agree on the potential impact of this missense change (SIFT: "Tolerated"; PolyPhen-2: "Not Available"; Align-GVGD: "Class C0"). In summary, the available evidence is currently insufficient to determine the role of this variant in disease. Therefore, it has been classified as a Variant of Uncertain Significance.

NM_001040167.2(LFNG):c.92C>T (p.Pro31Leu)

Gene: LFNG (LFNG O-fucosylpeptide 3-beta-N-acetylglucosaminyltransferase; plus strand). Cytogenetic location: 7p22.3.
Variant type: single nucleotide variant.
Coding change: c.92C>T on transcript NM_001040167.2 (MANE Select); coding-DNA position 92, C replaced by T.
Protein change: p.Pro31Leu; replaces proline 31 with leucine.
Molecular consequence: missense variant. On other transcripts: intron variant (2).
Genome position (GRCh38, 1-based): chr7:2,519,953, C>T. VCF-style: chr7-2519953-C-T. GRCh37 (hg19) VCF-style: chr7-2559587-C-T.
Other names: c.92C>T, p.Pro31Leu (NM_001040168.2); c.220-4742C>T (NM_001166355.2); c.45+1355C>T (NM_002304.3); short protein forms P31L.
Identifiers: ClinVar variation 1943668 (VCV001943668.2), dbSNP rs1182048081, ClinGen allele CA366612986.